The following is an entry in ClinVar:

ClinVar aggregate classification (germline): Uncertain significance (1 of 4 stars; one submission).

Conditions:
GATA4-related disorder. Also called: GATA4-related condition. Identifiers: MedGen CN860321.

Submission:

PreventionGenetics, part of Exact Sciences
Classification: Uncertain significance for GATA4-related condition. Last evaluated: 2023-01-10. Review status: criteria provided, single submitter. Criteria: ACMG Guidelines, 2015. Collection method: clinical testing. Allele origin: germline.
Comment: The GATA4 c.648G>C variant is predicted to result in the amino acid substitution p.Glu216Asp. This variant has been reported in individuals with tetralogy of Fallot or ventricular septal defects (Nemer et al. 2006. PubMed ID: 16470721; Yang et al. 2012. PubMed ID: 22648249). Functional studies showed that this variant causes a reduction in transcriptional activity of GATA4 on target gonadal promoters but it doesn't affect the DNA binding ability and interaction with cardiac targets (Nemer et al. 2006. PubMed ID: 16470721; Bouchard et al. 2008. PubMed ID: 19008335). This variant has not been reported in a large population database, indicating this variant is rare. Although we suspect that this variant may be pathogenic, at this time, the clinical significance of this variant is uncertain due to the absence of conclusive functional and genetic evidence.

NM_001308093.3(GATA4):c.651G>C (p.Glu217Asp)

Gene: GATA4 (GATA binding protein 4). Cytogenetic location: 8p23.1.
Variant type: single nucleotide variant.
Coding change: c.651G>C on transcript NM_001308093.3 (MANE Select); coding-DNA position 651, G replaced by C.
Protein change: p.Glu217Asp; replaces glutamic acid 217 with aspartic acid.
Molecular consequence: missense variant.
Genome position (GRCh38, 1-based): chr8:11,748,950, G>C. VCF-style: chr8-11748950-G-C. GRCh37 (hg19) VCF-style: chr8-11606459-G-C.
Other names: c.30G>C, p.Glu10Asp (NM_001308094.2, NM_001374273.1, NM_001374274.1); c.648G>C, p.Glu216Asp (NM_002052.5); short protein forms E10D, E216D, E217D.
Identifiers: ClinVar variation 2629713 (VCV002629713.1), dbSNP rs753334396, ClinGen allele CA370312592.